The following is an entry in ClinVar:

NM_152424.4(AMER1):c.657G>T (p.Glu219Asp)

Gene: AMER1 (APC membrane recruitment protein 1; minus strand). Cytogenetic location: Xq11.2.
Variant type: single nucleotide variant.
Coding change: c.657G>T on transcript NM_152424.4 (MANE Select); coding-DNA position 657, G replaced by T.
Protein change: p.Glu219Asp; replaces glutamic acid 219 with aspartic acid.
Molecular consequence: missense variant.
Genome position (GRCh38, 1-based): chrX:64,192,630, C>A on the plus strand (G>T on the coding strand, the complement: AMER1 is on the minus strand). VCF-style: chrX-64192630-C-A. GRCh37 (hg19) VCF-style: chrX-63412510-C-A.
Other names: short protein forms E219D.
Identifiers: ClinVar variation 1348303 (VCV001348303.8), dbSNP rs2147090068, ClinGen allele CA413310131.

ClinVar aggregate classification (germline): Uncertain significance (1 of 4 stars; one submission).

Allele frequency attached by ClinVar (database versions not stated): gnomAD exomes 0.00001.
gnomAD v4.1: 2 of 1,168,273 alleles (0.00017%); highest among the groups gnomAD compares: Non-Finnish European, 0.00023%; no homozygotes.

Submission:

Labcorp Genetics (formerly Invitae), Labcorp
Classification: Uncertain significance. Last evaluated: 2025-09-02. Review status: criteria provided, single submitter. Criteria: Invitae Variant Classification Sherloc (09022015). Collection method: clinical testing. Allele origin: germline.
Comment: This sequence change replaces glutamic acid, which is acidic and polar, with aspartic acid, which is acidic and polar, at codon 219 of the AMER1 protein (p.Glu219Asp). This variant is not present in population databases (gnomAD no frequency). This variant has not been reported in the literature in individuals affected with AMER1-related conditions. ClinVar contains an entry for this variant (Variation ID: 1348303). An algorithm developed to predict the effect of missense changes on protein structure and function outputs the following: PolyPhen-2: "Benign". The aspartic acid amino acid residue is found in multiple mammalian species, which suggests that this missense change does not adversely affect protein function. In summary, the available evidence is currently insufficient to determine the role of this variant in disease. Therefore, it has been classified as a Variant of Uncertain Significance.